The following is an entry in ClinVar:

ClinVar aggregate classification (germline): Uncertain significance (1 of 4 stars; one submission).

Allele frequency attached by ClinVar (database versions not stated): gnomAD exomes below 0.00001.
gnomAD v4.1: 1 of 1,614,122 alleles (0.000062%); highest among the groups gnomAD compares: Non-Finnish European, 0.000085%; no homozygotes.

Submission:

Labcorp Genetics (formerly Invitae), Labcorp
Classification: Uncertain significance. Last evaluated: 2022-03-10. Review status: criteria provided, single submitter. Criteria: Invitae Variant Classification Sherloc (09022015). Collection method: clinical testing. Allele origin: germline.
Comment: In summary, the available evidence is currently insufficient to determine the role of this variant in disease. Therefore, it has been classified as a Variant of Uncertain Significance. Advanced modeling of protein sequence and biophysical properties (such as structural, functional, and spatial information, amino acid conservation, physicochemical variation, residue mobility, and thermodynamic stability) performed at Invitae indicates that this missense variant is expected to disrupt LRP2 protein function. This variant has not been reported in the literature in individuals affected with LRP2-related conditions. This variant is not present in population databases (gnomAD no frequency). This sequence change replaces alanine, which is neutral and non-polar, with threonine, which is neutral and polar, at codon 2371 of the LRP2 protein (p.Ala2371Thr).

NM_004525.3(LRP2):c.7111G>A (p.Ala2371Thr)

Gene: LRP2 (LDL receptor related protein 2; minus strand). Cytogenetic location: 2q31.1.
Variant type: single nucleotide variant.
Coding change: c.7111G>A on transcript NM_004525.3 (MANE Select); coding-DNA position 7111, G replaced by A.
Protein change: p.Ala2371Thr; replaces alanine 2371 with threonine.
Molecular consequence: missense variant.
Genome position (GRCh38, 1-based): chr2:169,206,609, C>T on the plus strand (G>A on the coding strand, the complement: LRP2 is on the minus strand). VCF-style: chr2-169206609-C-T. GRCh37 (hg19) VCF-style: chr2-170063119-C-T.
Other names: short protein forms A2371T.
Identifiers: ClinVar variation 1366530 (VCV001366530.8), dbSNP rs2105333018, ClinGen allele CA349171535.